The following is an entry in ClinVar:

ClinVar aggregate classification (germline): Uncertain significance (1 of 4 stars; one submission).

Submission:

GeneDx
Classification: Uncertain significance. Last evaluated: 2025-06-17. Review status: criteria provided, single submitter. Criteria: GeneDx Variant Classification Process June 2021. Collection method: clinical testing. Allele origin: germline. Affected: yes.
Comment: Not observed at significant frequency in large population cohorts (gnomAD); Has not been previously published as pathogenic or benign to our knowledge; Frameshift variant predicted to result in abnormal protein length as the last 32 amino acids are replaced with 6 different amino acids with an unclear effect on protein function

NM_005257.6(GATA6):c.1691del (p.Gly564fs)

Gene: GATA6 (GATA binding protein 6; plus strand). Cytogenetic location: 18q11.2.
Variant type: Deletion.
Coding change: c.1691del on transcript NM_005257.6 (MANE Select); coding-DNA position 1691, one base deleted (G; older notation c.1691delG).
Protein change: p.Gly564fs; shifts the reading frame from glycine 564.
Molecular consequence: frameshift variant.
Genome position (GRCh38, 1-based): chr18:22,200,726, G deleted; the last of 3 consecutive G bases (chr18:22,200,724-22,200,726); deleting any one gives the same sequence. VCF-style (leftmost placement, unchanged base first): chr18-22200723-CG-C. GRCh37 (hg19) VCF-style: chr18-19780686-CG-C.
Other names: short protein forms G564fs.
Identifiers: ClinVar variation 4538735 (VCV004538735.1).